The following is an entry in ClinVar:

ClinVar aggregate classification (germline): Uncertain significance (1 of 4 stars; one submission).

gnomAD v4.1: 3 of 1,608,810 alleles (0.00019%); highest among the groups gnomAD compares: Non-Finnish European, 0.00025%; no homozygotes.

Submission:

Labcorp Genetics (formerly Invitae), Labcorp
Classification: Uncertain significance. Last evaluated: 2024-03-15. Review status: criteria provided, single submitter. Criteria: Invitae Variant Classification Sherloc (09022015). Collection method: clinical testing. Allele origin: germline.
Comment: This sequence change replaces alanine, which is neutral and non-polar, with serine, which is neutral and polar, at codon 450 of the TNNI3K protein (p.Ala450Ser). This variant is present in population databases (no rsID available, gnomAD 0.0009%). This variant has not been reported in the literature in individuals affected with TNNI3K-related conditions. Advanced modeling of protein sequence and biophysical properties (such as structural, functional, and spatial information, amino acid conservation, physicochemical variation, residue mobility, and thermodynamic stability) performed at Invitae indicates that this missense variant is not expected to disrupt TNNI3K protein function with a negative predictive value of 80%. In summary, the available evidence is currently insufficient to determine the role of this variant in disease. Therefore, it has been classified as a Variant of Uncertain Significance.

NM_015978.3(TNNI3K):c.1348G>T (p.Ala450Ser)

Genes: FPGT-TNNI3K (FPGT-TNNI3K readthrough; plus strand), TNNI3K (TNNI3 interacting kinase; plus strand). Cytogenetic location: 1p31.1.
Variant type: single nucleotide variant.
Coding change: c.1348G>T on transcript NM_015978.3 (MANE Select); coding-DNA position 1348, G replaced by T.
Protein change: p.Ala450Ser; replaces alanine 450 with serine.
Molecular consequence: missense variant.
Genome position (GRCh38, 1-based): chr1:74,369,048, G>T. VCF-style: chr1-74369048-G-T. GRCh37 (hg19) VCF-style: chr1-74834732-G-T.
Other names: c.1651G>T, p.Ala551Ser (NM_001112808.3, NM_001199327.2); short protein forms A450S, A551S.
Identifiers: ClinVar variation 3675273 (VCV003675273.1).